The following is an entry in ClinVar:

NM_014712.3(SETD1A):c.2221G>A (p.Gly741Arg)

Gene: SETD1A (SET domain containing 1A, histone lysine methyltransferase; plus strand). Cytogenetic location: 16p11.2.
Variant type: single nucleotide variant.
Coding change: c.2221G>A on transcript NM_014712.3 (MANE Select); coding-DNA position 2221, G replaced by A.
Protein change: p.Gly741Arg; replaces glycine 741 with arginine.
Molecular consequence: missense variant.
Genome position (GRCh38, 1-based): chr16:30,966,102, G>A. VCF-style: chr16-30966102-G-A. GRCh37 (hg19) VCF-style: chr16-30977423-G-A.
Other names: short protein forms G741R.
Identifiers: ClinVar variation 2579612 (VCV002579612.1), dbSNP rs2543862392, ClinGen allele CA395619749.

ClinVar aggregate classification (germline): Uncertain significance (1 of 4 stars; one submission).

Allele frequency attached by ClinVar (database versions not stated): gnomAD exomes below 0.00001.
gnomAD v4.1: 1 of 1,596,896 alleles (0.000063%); highest among the groups gnomAD compares: Non-Finnish European, 0.000085%; no homozygotes.

Submission:

GeneDx
Classification: Uncertain significance. Last evaluated: 2023-03-09. Review status: criteria provided, single submitter. Criteria: GeneDx Variant Classification Process June 2021. Collection method: clinical testing. Allele origin: germline. Affected: yes.
Comment: Not observed at significant frequency in large population cohorts (gnomAD); In silico analysis supports that this missense variant has a deleterious effect on protein structure/function; Has not been previously published as pathogenic or benign to our knowledge